The following is an entry in ClinVar:

ClinVar aggregate classification (germline): Benign/Likely benign. Review status: criteria provided, multiple submitters, no conflicts (2 of 4 stars). 4 submissions from 4 submitters: Benign (1); Likely benign (3). Last evaluated 2026-08-25.

Conditions:
Fanconi renotubular syndrome 2 (FRTS2). Identifiers: MedGen C3150652, MONDO:0013247, OMIM 613388.
Hypercalcemia, infantile, 2 (HCINF2). Identifiers: Orphanet 300547, MedGen C4310473, MONDO:0014851, OMIM 616963.
Hypophosphatemic nephrolithiasis/osteoporosis 1. Identifiers: Orphanet 244305, MedGen C2676786, MONDO:0012850, OMIM 612286.
SLC34A1-related disorder. Also called: SLC34A1-related condition; SLC34A1-related disorders.

Allele frequency attached by ClinVar (database versions not stated): gnomAD 0.00009 and 0.00011; ExAC 0.00010; TOPMed 0.00010; gnomAD exomes 0.00011; 1000 Genomes Project 30x 0.00016; 1000 Genomes Project 0.00020.
gnomAD v4.1: 140 of 1,614,068 alleles (0.0087%); highest among the groups gnomAD compares: East Asian, 0.2%; 1 homozygote.

Submissions (4):

PreventionGenetics, part of Exact Sciences
Classification: Likely benign for SLC34A1-related condition. Last evaluated: 2026-08-25. Review status: criteria provided, single submitter. Criteria: ACMG Guidelines, 2015. Collection method: clinical testing. Allele origin: germline.
Comment: This variant is classified as likely benign based on ACMG/AMP sequence variant interpretation guidelines (Richards et al. 2015 PMID: 25741868, with internal and published modifications).

Labcorp Genetics (formerly Invitae), Labcorp
Classification: Likely benign. Last evaluated: 2023-11-01. Review status: criteria provided, single submitter. Criteria: Invitae Variant Classification Sherloc (09022015). Collection method: clinical testing. Allele origin: germline.

Fulgent Genetics
Classification: Likely benign for Hypophosphatemic nephrolithiasis/osteoporosis 1; Fanconi renotubular syndrome 2; Hypercalcemia, infantile, 2. Last evaluated: 2022-02-17. Review status: criteria provided, single submitter. Criteria: ACMG Guidelines, 2015. Collection method: clinical testing. Allele origin: unknown.

Illumina Laboratory Services, Illumina
Classification: Benign for Hypophosphatemic nephrolithiasis/osteoporosis 1. Last evaluated: 2018-01-13. Review status: criteria provided, single submitter. Criteria: ICSL Variant Classification Criteria 13 December 2019. Collection method: clinical testing. Allele origin: germline.
Comment: This variant was observed in the ICSL laboratory as part of a predisposition screen in an ostensibly healthy population. It had not been previously curated by ICSL or reported in the Human Gene Mutation Database (HGMD: prior to June 1st, 2018), and was therefore a candidate for classification through an automated scoring system. Utilizing variant allele frequency, disease prevalence and penetrance estimates, and inheritance mode, an automated score was calculated to assess if this variant is too frequent to cause the disease. Based on the score and internal cut-off values, a variant classified as benign is not then subjected to further curation. The score for this variant resulted in a classification of benign for this disease.

NM_003052.5(SLC34A1):c.510C>T (p.Ile170=)

Gene: SLC34A1 (solute carrier family 34 member 1; plus strand). Cytogenetic location: 5q35.3.
Variant type: single nucleotide variant.
Coding change: c.510C>T on transcript NM_003052.5 (MANE Select); coding-DNA position 510, C replaced by T.
Protein change: p.Ile170=; no amino-acid change (isoleucine 170 retained).
Molecular consequence: synonymous variant.
Genome position (GRCh38, 1-based): chr5:177,386,544, C>T. VCF-style: chr5-177386544-C-T. GRCh37 (hg19) VCF-style: chr5-176813545-C-T.
Other names: c.510C>T, p.Ile170= (NM_001167579.2).
Identifiers: ClinVar variation 352962 (VCV000352962.11), dbSNP rs552176812, ClinGen allele CA3580407.